The following is an entry in ClinVar:

NM_001114753.3(ENG):c.1759C>T (p.Leu587Phe)

Gene: ENG (endoglin; minus strand). Cytogenetic location: 9q34.11.
Variant type: single nucleotide variant.
Coding change: c.1759C>T on transcript NM_001114753.3 (MANE Select); coding-DNA position 1759, C replaced by T.
Protein change: p.Leu587Phe; replaces leucine 587 with phenylalanine.
Molecular consequence: missense variant.
Genome position (GRCh38, 1-based): chr9:127,816,036, G>A on the plus strand (C>T on the coding strand, the complement: ENG is on the minus strand). VCF-style: chr9-127816036-G-A. GRCh37 (hg19) VCF-style: chr9-130578315-G-A.
Other names: c.1759C>T, p.Leu587Phe (NM_000118.4); c.1213C>T, p.Leu405Phe (NM_001278138.2); short protein forms L405F, L587F.
Identifiers: ClinVar variation 862626 (VCV000862626.8), dbSNP rs747196026, ClinGen allele CA5252634.

ClinVar aggregate classification (germline): Uncertain significance. Review status: criteria provided, multiple submitters, no conflicts (2 of 4 stars). 2 submissions from 2 submitters: Uncertain significance (2). Last evaluated 2019-08-26.

Conditions:
Telangiectasia, hereditary hemorrhagic, type 1 (HHT1). Also called: Osler Weber Rendu syndrome type 1; ENG-Related Hereditary Hemorrhagic Telangiectasia. Identifiers: Orphanet 774, MedGen C4551861, MONDO:0008535, OMIM 187300. Disease mechanism: loss of function.
Hereditary hemorrhagic telangiectasia (HHT). Also called: ORW DISEASE; Osler Weber Rendu syndrome; OSLER-RENDU-WEBER DISEASE; Osler hemorrhagic telangiectasia syndrome. Identifiers: Orphanet 774, MedGen C0039445, MONDO:0019180. Disease mechanism: loss of function.

Allele frequency attached by ClinVar (database versions not stated): gnomAD exomes below 0.00001; ExAC 0.00001.
gnomAD v4.1: 5 of 1,610,384 alleles (0.00031%); highest among the groups gnomAD compares: South Asian, 0.0011%; no homozygotes.

Submissions (2):

Labcorp Genetics (formerly Invitae), Labcorp
Classification: Uncertain significance for Hereditary hemorrhagic telangiectasia. Last evaluated: 2019-08-26. Review status: criteria provided, single submitter. Criteria: Invitae Variant Classification Sherloc (09022015). Collection method: clinical testing. Allele origin: germline.
Comment: This sequence change replaces leucine with phenylalanine at codon 587 of the ENG protein (p.Leu587Phe). The leucine residue is highly conserved and there is a small physicochemical difference between leucine and phenylalanine. This variant is present in population databases (rs747196026, ExAC 0.002%). This variant has been observed in an individual affected with¬†hereditary hemorrhagic telangiectasia¬†that also carried a pathogenic variant in¬†ACVRL1¬†(p.Arg411Trp) which was suggested to be the primary cause of disease (PMID:¬†25312062).¬†This variant has been reported in an individual affected with¬†intracranial aneurysm¬†(PMID:¬†19299629). This variant has been reported not to substantially affect ENG protein function (PMID:¬†25312062). In summary, the available evidence is currently insufficient to determine the role of this variant in disease. Therefore, it has been classified as a Variant of Uncertain Significance.

Illumina Laboratory Services, Illumina
Classification: Uncertain significance for Telangiectasia, hereditary hemorrhagic, type 1. Last evaluated: 2017-04-28. Review status: criteria provided, single submitter. Criteria: ICSL Variant Classification Criteria 13 December 2019. Collection method: clinical testing. Allele origin: germline.
Comment: This variant was observed as part of a predisposition screen in an ostensibly healthy population. A literature search was performed for the gene, cDNA change, and amino acid change (where applicable). Publications were found based on this search. However, the evidence from the literature, in combination with allele frequency data from public databases where available, was not sufficient to rule this variant in or out of causing disease. Therefore, this variant is classified as a variant of unknown significance.

Literature cited by the submitters: PubMed 24921008 (cited by Illumina Laboratory Services, Illumina); PubMed 22022569 (cited by Illumina Laboratory Services, Illumina); PubMed 25312062 (cited by Illumina Laboratory Services, Illumina); PubMed 19299629 (cited by Illumina Laboratory Services, Illumina).